The following is an entry in ClinVar:

NM_004985.5(KRAS):c.36_37delinsGC (p.Gly13Arg)

Gene: KRAS (KRAS proto-oncogene, GTPase; minus strand). Cytogenetic location: 12p12.1.
Variant type: Indel.
Coding change: c.36_37delinsGC on transcript NM_004985.5 (MANE Select); coding-DNA positions 36 to 37, TG replaced by GC.
Protein change: p.Gly13Arg; replaces glycine 13 with arginine.
Molecular consequence: missense variant.
Genome position (GRCh38, 1-based): chr12:25,245,348-25,245,349, CA replaced by GC on the plus strand (TG replaced by GC on the coding strand, the reverse complement: KRAS is on the minus strand). VCF-style: chr12-25245348-CA-GC. GRCh37 (hg19) VCF-style: chr12-25398282-CA-GC.
Other names: c.36_37delinsGC, p.Gly13Arg (NM_001369786.1, NM_001369787.1, NM_033360.4); c.36_37delTGinsGC (NM_004985.5); short protein forms G13R.
Identifiers: ClinVar variation 1691382 (VCV001691382.2), dbSNP rs2135806200, ClinGen allele CA2573148513.

ClinVar aggregate classification (germline): Pathogenic (1 of 4 stars; one submission).

Submission:

Seattle Children's Hospital Molecular Genetics Laboratory, Seattle Children's Hospital
Classification: Pathogenic. Last evaluated: 2020-12-21. Review status: criteria provided, single submitter. Criteria: ACMG Guidelines, 2015. Collection method: clinical testing. Allele origin: somatic. Affected: yes.
Comment: This is a complex variant described as a deletion of two nucleotides at position c.36 to c.37 (TG) of the coding sequence, and insertion of two nucleotides (GC) at this position. This alteration is predicted to substitute the glycine with arginine at residue 13 within the KRAS protein. Experimental studies suggest that codon 13 substitutions lead to hyperactivation of the KRAS protein (PMID: 17384584).